The following is an entry in ClinVar:

ClinVar aggregate classification (germline): Likely pathogenic (1 of 4 stars; one submission).

Submission:

GeneDx
Classification: Likely pathogenic. Last evaluated: 2016-10-19. Review status: criteria provided, single submitter. Criteria: GeneDx Variant Classification (06012015). Collection method: clinical testing. Allele origin: germline. Affected: yes.
Comment: The c.1505_1506+21del23 variant in the ADCK3 gene has not been reported previously as apathogenic variant nor as a benign variant, to our knowledge. This variant destroys the splice donorsite in intron 12, and is expected to cause abnormal gene splicing. However, in the absence ofRNA/functional studies, the actual effect of c.1505_1506+21del23 is unknown. Thec.1505_1506+21del23 variant was not observed in approximately 6500 individuals of European andAfrican American ancestry in the NHLBI Exome Sequencing Project, indicating it is not a commonbenign variant in these populations. The c.1505_1506+21del23 variant is a strong candidate for apathogenic variant, however the possibility it may be a rare benign variant cannot be excluded.

NM_020247.5(COQ8A):c.1505_1506+21del

Gene: COQ8A (coenzyme Q8A; plus strand). Cytogenetic location: 1q42.13.
Variant type: Deletion.
Coding change: c.1505_1506+21del on transcript NM_020247.5 (MANE Select); coding-DNA position 1505 through 21 bases into the intron after coding-DNA position 1506, 23 bases deleted (AGGTGAGCCCCAGGGTGGGGGCA).
Molecular consequence: splice donor variant.
Genome position (GRCh38, 1-based): chr1:226,984,654-226,984,676, AGGTGAGCCCCAGGGTGGGGGCA deleted; deleting any 23 consecutive bases within chr1:226,984,652-226,984,676 gives the same sequence; the c. name uses the placement nearest the transcript's 3' end. VCF-style (leftmost placement, unchanged base first): chr1-226984651-ACAAGGTGAGCCCCAGGGTGGGGG-A. GRCh37 (hg19) VCF-style: chr1-227172352-ACAAGGTGAGCCCCAGGGTGGGGG-A.
Other names: c.1505_1506+21delAGGTGAGCCCCAGGGTGGGGGCA (NM_020247.4).
Identifiers: ClinVar variation 422449 (VCV000422449.2), dbSNP rs760327691, ClinGen allele CA1425505.
Genomic context (GRCh38, chr1:226,984,651, plus strand): 5'-AGTTCCACTTCATGCAAACAGACCCCAACTGGTCCAACTTCTTCTATGACCCCCAGCAGC[ACAAGGTGAGCCCCAGGGTGGGGG>A]CACCCGCAGCCAGGCCTGAGAGCTTCTCCGAATGGGGCACGTGAGGCCCTGGACTGCCCC-3'